The following is an entry in ClinVar:

NM_001363705.2(UBR2):c.-1G>A

Gene: UBR2 (ubiquitin protein ligase E3 component n-recognin 2; plus strand). Cytogenetic location: 6p21.1.
Variant type: single nucleotide variant.
Coding change: c.-1G>A on transcript NM_001363705.2 (MANE Select); 1 bases upstream of the start codon, G replaced by A.
Molecular consequence: 5 prime UTR variant.
Genome position (GRCh38, 1-based): chr6:42,564,319, G>A. VCF-style: chr6-42564319-G-A. GRCh37 (hg19) VCF-style: chr6-42532057-G-A.
Other names: c.-1G>A (NM_001184801.2, NM_015255.3).
Identifiers: ClinVar variation 2656552 (VCV002656552.24), dbSNP rs143829853, ClinGen allele CA3806924.

ClinVar aggregate classification (germline): Likely benign (1 of 4 stars; one submission).

Allele frequency attached by ClinVar (database versions not stated): 1000 Genomes Project 30x 0.00078; 1000 Genomes Project 0.00100; TOPMed 0.00182; ESP Exome Variant Server 0.00185; gnomAD 0.00200; ExAC 0.00295.
gnomAD v4.1: 3,557 of 1,609,992 alleles (0.22%); highest among the groups gnomAD compares: Middle Eastern, 0.75%; 11 homozygotes.

Submission:

CeGaT Center for Human Genetics Tuebingen
Classification: Likely benign. Last evaluated: 2023-04-01. Review status: criteria provided, single submitter. Criteria: CeGaT Center For Human Genetics Tuebingen Variant Classification Criteria Version 2. Collection method: clinical testing. Allele origin: germline. Affected: yes. Observed: 2 variant alleles.
Comment: UBR2: BP4, BS2